The following is an entry in ClinVar:

NM_001083962.2(TCF4):c.320G>C (p.Gly107Ala)

Gene: TCF4 (transcription factor 4; minus strand). Cytogenetic location: 18q21.2.
Variant type: single nucleotide variant.
Coding change: c.320G>C on transcript NM_001083962.2 (MANE Select); coding-DNA position 320, G replaced by C.
Protein change: p.Gly107Ala; replaces glycine 107 with alanine.
Molecular consequence: missense variant. On other transcripts: 5 prime UTR variant (3).
Genome position (GRCh38, 1-based): chr18:55,403,503, C>G on the plus strand (G>C on the coding strand, the complement: TCF4 is on the minus strand). VCF-style: chr18-55403503-C-G. GRCh37 (hg19) VCF-style: chr18-53070734-C-G.
Other names: c.320G>C, p.Gly107Ala (NM_001243228.2, NM_003199.3, NM_001330604.3 and 8 more transcripts); c.314G>C, p.Gly105Ala (NM_001243230.2); c.194G>C, p.Gly65Ala (NM_001243231.2, NM_001348211.2); c.110G>C, p.Gly37Ala (NM_001243232.1, NM_001306208.1); c.626G>C, p.Gly209Ala (NM_001243226.3); c.248G>C, p.Gly83Ala (NM_001243227.2, NM_001306207.1, NM_001348217.1 and 15 more transcripts); c.-71G>C (NM_001243233.2, NM_001348213.2); c.-68G>C (NM_001348212.2); short protein forms G107A, G105A, G209A, G37A, G65A, G83A.
Identifiers: ClinVar variation 2122531 (VCV002122531.4), dbSNP rs749677962, ClinGen allele CA402702900.

ClinVar aggregate classification (germline): Uncertain significance (1 of 4 stars; one submission).

Conditions:
Pitt-Hopkins syndrome (PTHS). Also called: ENCEPHALOPATHY, SEVERE EPILEPTIC, WITH AUTONOMIC DYSFUNCTION; MENTAL RETARDATION, SYNDROMAL, WITH INTERMITTENT HYPERVENTILATION. Identifiers: Orphanet 2896, MedGen C1970431, MONDO:0012589, OMIM 610954.

gnomAD v4.1: 1 of 1,613,746 alleles (0.000062%); highest among the groups gnomAD compares: Non-Finnish European, 0.000085%; no homozygotes.

Submission:

Labcorp Genetics (formerly Invitae), Labcorp
Classification: Uncertain significance for Pitt-Hopkins syndrome. Last evaluated: 2022-04-07. Review status: criteria provided, single submitter. Criteria: Invitae Variant Classification Sherloc (09022015). Collection method: clinical testing. Allele origin: germline.
Comment: This variant is not present in population databases (gnomAD no frequency). This sequence change replaces glycine, which is neutral and non-polar, with alanine, which is neutral and non-polar, at codon 107 of the TCF4 protein (p.Gly107Ala). This variant has not been reported in the literature in individuals affected with TCF4-related conditions. Algorithms developed to predict the effect of missense changes on protein structure and function are either unavailable or do not agree on the potential impact of this missense change (SIFT: "Deleterious"; PolyPhen-2: "Benign"; Align-GVGD: "Class C0"). In summary, the available evidence is currently insufficient to determine the role of this variant in disease. Therefore, it has been classified as a Variant of Uncertain Significance.